The following is an entry in ClinVar:

NM_014141.6(CNTNAP2):c.754+5G>A

Gene: CNTNAP2 (contactin associated protein 2; plus strand). Cytogenetic location: 7q35.
Variant type: single nucleotide variant.
Coding change: c.754+5G>A on transcript NM_014141.6 (MANE Select); 5 bases into the intron after coding-DNA position 754, G replaced by A.
Molecular consequence: intron variant.
Genome position (GRCh38, 1-based): chr7:147,108,355, G>A. VCF-style: chr7-147108355-G-A. GRCh37 (hg19) VCF-style: chr7-146805447-G-A.
Identifiers: ClinVar variation 1421585 (VCV001421585.6), dbSNP rs1800809272, ClinGen allele CA1108399985.

ClinVar aggregate classification (germline): Uncertain significance (1 of 4 stars; one submission).

Conditions:
Cortical dysplasia-focal epilepsy syndrome (PTHSL1). Also called: Pitt-Hopkins-like syndrome 1. Identifiers: Orphanet 163681, Orphanet 221150, MedGen C2750246, MONDO:0012400, OMIM 610042.

Allele frequency attached by ClinVar (database versions not stated): gnomAD exomes below 0.00001; gnomAD 0.00001.
gnomAD v4.1: 2 of 1,610,682 alleles (0.00012%); highest among the groups gnomAD compares: Non-Finnish European, 0.00017%; no homozygotes.

Submission:

Labcorp Genetics (formerly Invitae), Labcorp
Classification: Uncertain significance for Cortical dysplasia-focal epilepsy syndrome. Last evaluated: 2020-11-10. Review status: criteria provided, single submitter. Criteria: Invitae Variant Classification Sherloc (09022015). Collection method: clinical testing. Allele origin: germline.
Comment: Nucleotide substitutions within the consensus splice site are a relatively common cause of aberrant splicing (PMID: 17576681, 9536098). Algorithms developed to predict the effect of sequence changes on RNA splicing suggest that this variant may disrupt the consensus splice site, but this prediction has not been confirmed by published transcriptional studies. In summary, the available evidence is currently insufficient to determine the role of this variant in disease. Therefore, it has been classified as a Variant of Uncertain Significance. This variant has not been reported in the literature in individuals with CNTNAP2-related conditions. This variant is not present in population databases (ExAC no frequency). This sequence change falls in intron 5 of the CNTNAP2 gene. It does not directly change the encoded amino acid sequence of the CNTNAP2 protein. It affects a nucleotide within the consensus splice site of the intron.

Literature cited by the submitters: PubMed 17576681; PubMed 9536098.